The following is an entry in ClinVar:

NM_012193.4(FZD4):c.852dup (p.Glu285Ter)

Genes: FZD4 (frizzled class receptor 4; minus strand), PRSS23 (serine protease 23; plus strand). Cytogenetic location: 11q14.2.
Variant type: Duplication.
Coding change: c.852dup on transcript NM_012193.4 (MANE Select); coding-DNA position 852, one base duplicated (T; older notation c.852dupT).
Protein change: p.Glu285Ter; replaces glutamic acid 285 with a stop codon.
Molecular consequence: nonsense. On other transcripts: non-coding transcript variant (2).
Genome position (GRCh38, 1-based): chr11:86,951,904, A duplicated on the plus strand (T on the coding strand, the reverse complement: FZD4 is on the minus strand); the first of 4 consecutive A bases (chr11:86,951,904-86,951,907); duplicating any one gives the same sequence. VCF-style (leftmost placement, unchanged base first): chr11-86951903-C-CA. GRCh37 (hg19) VCF-style: chr11-86662945-C-CA.
Other names: short protein forms E285*.
Identifiers: ClinVar variation 1997471 (VCV001997471.4), dbSNP rs2495867343, ClinGen allele CA2580085012.
Genomic context (GRCh38, chr11:86,951,903, plus strand): 5'-TTATTGCACATCCTGTGTTCTTAAGTCCTTCTTGGATGAGAACAGGTTCTGCTGCCTCTT[C>CA]AAAATCACAGGATATCCTTTCCCGGCCTACAGTCAGCCTGACAATATAAGCAATGCTATA-3'

ClinVar aggregate classification (germline): Pathogenic (1 of 4 stars; one submission).

Submission:

Labcorp Genetics (formerly Invitae), Labcorp
Classification: Pathogenic. Last evaluated: 2022-05-21. Review status: criteria provided, single submitter. Criteria: Invitae Variant Classification Sherloc (09022015). Collection method: clinical testing. Allele origin: germline.
Comment: For these reasons, this variant has been classified as Pathogenic. This variant disrupts a region of the FZD4 protein in which other variant(s) (p.Gln505*) have been determined to be pathogenic (PMID: 15223780, 23077402). This suggests that this is a clinically significant region of the protein, and that variants that disrupt it are likely to be disease-causing. This variant has not been reported in the literature in individuals affected with FZD4-related conditions. This variant is not present in population databases (gnomAD no frequency). This sequence change creates a premature translational stop signal (p.Glu285*) in the FZD4 gene. While this is not anticipated to result in nonsense mediated decay, it is expected to disrupt the last 253 amino acid(s) of the FZD4 protein.

Literature cited by the submitters: PubMed 15223780; PubMed 23077402.